The following is an entry in ClinVar:

NM_182914.3(SYNE2):c.13473A>G (p.Arg4491=)

Gene: SYNE2 (spectrin repeat containing nuclear envelope protein 2; plus strand). Cytogenetic location: 14q23.2.
Variant type: single nucleotide variant.
Coding change: c.13473A>G on transcript NM_182914.3 (MANE Select); coding-DNA position 13473, A replaced by G.
Protein change: p.Arg4491=; no amino-acid change (arginine 4491 retained).
Molecular consequence: synonymous variant.
Genome position (GRCh38, 1-based): chr14:64,125,129, A>G. VCF-style: chr14-64125129-A-G. GRCh37 (hg19) VCF-style: chr14-64591847-A-G.
Other names: c.13473A>G, p.Arg4491= (NM_015180.6); c.13473A>G (NM_182914.2).
Identifiers: ClinVar variation 283302 (VCV000283302.10), dbSNP rs886042596, ClinGen allele CA10604454.

ClinVar aggregate classification (germline): Uncertain significance. Review status: criteria provided, multiple submitters, no conflicts (2 of 4 stars). 3 submissions from 3 submitters: Uncertain significance (3). Last evaluated 2023-11-27.

Conditions:
Emery-Dreifuss muscular dystrophy 5, autosomal dominant (EDMD5). Also called: EMERY-DREIFUSS MUSCULAR DYSTROPHY 5. Identifiers: Orphanet 261, MedGen C2751805, MONDO:0013072, OMIM 612999.

Allele frequency attached by ClinVar (database versions not stated): gnomAD exomes 0.00001; TOPMed 0.00001.
gnomAD v4.1: 10 of 1,614,214 alleles (0.00062%); highest among the groups gnomAD compares: Non-Finnish European, 0.00085%; no homozygotes.

Submissions (3):

Revvity Omics, Revvity
Classification: Uncertain significance for Emery-Dreifuss muscular dystrophy 5, autosomal dominant. Last evaluated: 2023-11-27. Review status: criteria provided, single submitter. Criteria: ACMG Guidelines, 2015. Collection method: clinical testing. Allele origin: germline.

Labcorp Genetics (formerly Invitae), Labcorp
Classification: Uncertain significance for Emery-Dreifuss muscular dystrophy 5, autosomal dominant. Last evaluated: 2021-12-29. Review status: criteria provided, single submitter. Criteria: Invitae Variant Classification Sherloc (09022015). Collection method: clinical testing. Allele origin: germline.
Comment: This sequence change affects codon 4491 of the SYNE2 mRNA. It is a 'silent' change, meaning that it does not change the encoded amino acid sequence of the SYNE2 protein. This variant is present in population databases (no rsID available, gnomAD 0.002%). This variant has not been reported in the literature in individuals affected with SYNE2-related conditions. ClinVar contains an entry for this variant (Variation ID: 283302). Algorithms developed to predict the effect of sequence changes on RNA splicing suggest that this variant may create or strengthen a splice site. In summary, the available evidence is currently insufficient to determine the role of this variant in disease. Therefore, it has been classified as a Variant of Uncertain Significance.

Eurofins Ntd Llc (ga)
Classification: Uncertain significance. Last evaluated: 2015-09-15. Review status: criteria provided, single submitter. Criteria: EGL Classification Definitions 2015. Collection method: clinical testing. Allele origin: germline. Observed: 1 variant allele, 1 heterozygote.